The following is an entry in ClinVar:

NM_000275.3(OCA2):c.2386A>G (p.Ile796Val)

Gene: OCA2 (OCA2 melanosomal transmembrane protein; minus strand). Cytogenetic location: 15q13.1.
Variant type: single nucleotide variant.
Coding change: c.2386A>G on transcript NM_000275.3 (MANE Select); coding-DNA position 2386, A replaced by G.
Protein change: p.Ile796Val; replaces isoleucine 796 with valine.
Molecular consequence: missense variant.
Genome position (GRCh38, 1-based): chr15:27,845,005, T>C on the plus strand (A>G on the coding strand, the complement: OCA2 is on the minus strand). VCF-style: chr15-27845005-T-C. GRCh37 (hg19) VCF-style: chr15-28090151-T-C.
Other names: c.2314A>G, p.Ile772Val (NM_001300984.2); short protein forms I772V, I796V.
Identifiers: ClinVar variation 4993102 (VCV004993102.1).
Genomic context (GRCh38, chr15:27,845,005, plus strand): 5'-GAATTTAAAAGTACCTGAAAAATTCCATGAAGGAGAACCCATATCCATGCTGTTCTGCAA[T>C]CCCTGCACACACGACGTTTGCCGACGCGCCAATCAGTGTCCCGTTACCTAAAGTCAAAAT-3'
Protein context (NP_000266.2, residues 786-806): GASANVVCAG[Ile796Val]AEQHGYGFSF

ClinVar aggregate classification (germline): Uncertain significance (1 of 4 stars; one submission).

Conditions:
OCA2-related disorder. Also called: OCA2-related condition.

Submission:

PreventionGenetics, part of Exact Sciences
Classification: Uncertain significance for OCA2-related condition. Last evaluated: 2026-09-18. Review status: criteria provided, single submitter. Criteria: ACMG Guidelines, 2015. Collection method: clinical testing. Allele origin: germline.
Comment: The OCA2 c.2386A>G variant is predicted to result in the amino acid substitution p.Ile796Val. To our knowledge, this variant has not been reported in the literature. This variant is absent in a large population database (gnomAD), indicating this variant is rare. Although we suspect that this variant may be pathogenic, at this time, the clinical significance of this variant is uncertain due to the absence of conclusive functional and genetic evidence.